The following is an entry in ClinVar:

ClinVar aggregate classification (germline): Uncertain significance (1 of 4 stars; one submission).

gnomAD v4.1: 3 of 1,533,654 alleles (0.0002%); highest among the groups gnomAD compares: Middle Eastern, 0.018%; no homozygotes.

Submission:

GeneDx
Classification: Uncertain significance. Last evaluated: 2023-07-21. Review status: criteria provided, single submitter. Criteria: GeneDx Variant Classification Process June 2021. Collection method: clinical testing. Allele origin: germline. Affected: yes.
Comment: Not observed at significant frequency in large population cohorts (gnomAD); In silico analysis supports that this missense variant does not alter protein structure/function; Has not been previously published as pathogenic or benign to our knowledge

NM_001001557.4(GDF6):c.615G>C (p.Gln205His)

Gene: GDF6 (growth differentiation factor 6; minus strand). Cytogenetic location: 8q22.1.
Variant type: single nucleotide variant.
Coding change: c.615G>C on transcript NM_001001557.4 (MANE Select); coding-DNA position 615, G replaced by C.
Protein change: p.Gln205His; replaces glutamine 205 with histidine.
Molecular consequence: missense variant.
Genome position (GRCh38, 1-based): chr8:96,145,316, C>G on the plus strand (G>C on the coding strand, the complement: GDF6 is on the minus strand). VCF-style: chr8-96145316-C-G. GRCh37 (hg19) VCF-style: chr8-97157544-C-G.
Other names: short protein forms Q205H.
Identifiers: ClinVar variation 3361306 (VCV003361306.1).